The following is an entry in ClinVar:

ClinVar aggregate classification (germline): Conflicting classifications of pathogenicity. Review status: criteria provided, conflicting classifications (1 of 4 stars). 2 submissions from 2 submitters: Pathogenic (1); Uncertain significance (1). Last evaluated 2023-11-06.

Conditions:
Deficiency of isobutyryl-CoA dehydrogenase. Also called: ACYL-CoA DEHYDROGENASE FAMILY, MEMBER 8, DEFICIENCY OF; IBD DEFICIENCY; ACAD8 DEFICIENCY. Identifiers: Orphanet 79159, MedGen C1969809, MONDO:0012648, OMIM 611283.

Allele frequency attached by ClinVar (database versions not stated): TOPMed 0.00001; ESP Exome Variant Server 0.00008.

Submissions (2):

Labcorp Genetics (formerly Invitae), Labcorp
Classification: Pathogenic for Deficiency of isobutyryl-CoA dehydrogenase. Last evaluated: 2023-11-06. Review status: criteria provided, single submitter. Criteria: Invitae Variant Classification Sherloc (09022015). Collection method: clinical testing. Allele origin: germline.
Comment: This sequence change replaces arginine, which is basic and polar, with tryptophan, which is neutral and slightly polar, at codon 79 of the ACAD8 protein (p.Arg79Trp). This variant is present in population databases (rs377629003, gnomAD 0.007%). This missense change has been observed in individual(s) with isobutyryl-CoA dehydrogenase deficiency (Invitae). In at least one individual the data is consistent with being in trans (on the opposite chromosome) from a pathogenic variant. ClinVar contains an entry for this variant (Variation ID: 166632). Advanced modeling of protein sequence and biophysical properties (such as structural, functional, and spatial information, amino acid conservation, physicochemical variation, residue mobility, and thermodynamic stability) performed at Invitae indicates that this missense variant is expected to disrupt ACAD8 protein function with a positive predictive value of 80%. This variant disrupts the p.Arg79 amino acid residue in ACAD8. Other variant(s) that disrupt this residue have been observed in individuals with ACAD8-related conditions (PMID: 30253142, 34544473; Invitae), which suggests that this may be a clinically significant amino acid residue. For these reasons, this variant has been classified as Pathogenic.

Eurofins Ntd Llc (ga)
Classification: Uncertain significance. Last evaluated: 2013-11-25. Review status: criteria provided, single submitter. Criteria: EGL Classification Definitions 2015. Collection method: clinical testing. Allele origin: germline. Observed: 1 variant allele, 1 homozygote.

Literature cited by the submitters: PubMed 30253142 (cited by Labcorp Genetics (formerly Invitae), Labcorp); PubMed 34544473 (cited by Labcorp Genetics (formerly Invitae), Labcorp).

NC_000011.10:g.134257112C>T

Gene: ACAD8 (acyl-CoA dehydrogenase family member 8; plus strand). Cytogenetic location: 11q25.
Variant type: single nucleotide variant.
Genome position: GRCh38 VCF-style: chr11-134257112-C-T. GRCh37 (hg19) VCF-style: chr11-134127006-C-T.
Other names: c.235C>T, p.Arg79Trp (LRG_448t1).
Identifiers: ClinVar variation 166632 (VCV000166632.12), dbSNP rs377629003, ClinGen allele CA233419.